The following is an entry in ClinVar:

ClinVar aggregate classification (germline): Likely pathogenic (1 of 4 stars; one submission).

Conditions:
Hengel-Maroofian-Schols syndrome. Also called: Global developmental delay-intellectual disability-microcephaly-short stature-brain iron accumulation syndrome; NEURODEVELOPMENTAL DISORDER WITH SPASTICITY, FACIAL DYSMORPHISM, AND BRAIN ABNORMALITIES. Identifiers: Orphanet 697067, MedGen C5562032, MONDO:0859208, OMIM 619641.

Submission:

Neuberg Centre For Genomic Medicine, NCGM
Classification: Likely pathogenic for Hengel-Maroofian-Schols syndrome. Review status: criteria provided, single submitter. Criteria: ACMG Guidelines, 2015. Collection method: clinical testing. Allele origin: germline. Inheritance: Autosomal recessive inheritance. Affected: yes.
Comment: The stop gained c.386T>A(p.Leu129Ter) variant in BCAS3 gene has not been reported previously as a pathogenic variant nor as a benign variant, to our knowledge. The c.386T>A variant is novel (not in any individuals) in gnomAD Exomes and 1000 Genomes. This variant has not been reported to the ClinVar database. The nucleotide change c.386T>A in BCAS3 is predicted as conserved by GERP++ and PhyloP across 100 vertebrates. This variant is predicted to cause loss of normal protein function through protein truncation. Loss of function variants downstream of the above variant have been previously reported to be disease causing (Hengel H, et. al.,2021). Functional studies are required to prove pathogenicity of the variant. For these reasons, this variant has been classified as Likely Pathogenic.

NM_017679.5(BCAS3):c.386T>A (p.Leu129Ter)

Gene: BCAS3 (BCAS3 microtubule associated cell migration factor; plus strand). Cytogenetic location: 17q23.2.
Variant type: single nucleotide variant.
Coding change: c.386T>A on transcript NM_017679.5 (MANE Select); coding-DNA position 386, T replaced by A.
Protein change: p.Leu129Ter; replaces leucine 129 with a stop codon.
Molecular consequence: nonsense.
Genome position (GRCh38, 1-based): chr17:60,747,262, T>A. VCF-style: chr17-60747262-T-A. GRCh37 (hg19) VCF-style: chr17-58824623-T-A.
Other names: c.386T>A, p.Leu129Ter (NM_001099432.3, NM_001320470.3, NM_001330413.2 and 4 more transcripts); short protein forms L129*.
Identifiers: ClinVar variation 2664164 (VCV002664164.1), dbSNP rs2544663258, ClinGen allele CA400774847.
Genomic context (GRCh38, chr17:60,747,262, plus strand): 5'-GTGGTGAAGCACAAGAGCTCTTCTCTGTTCGACATGGCCCAATTCGAGCGGCTAGAATCT[T>A]GCCTGCTCCACAGTTTGGTGAGTGTAGTCCTTAAGAAAAGAATCTTTCAGAAAAGAGTTT-3'